The following is an entry in ClinVar:

NM_152564.5(VPS13B):c.2580C>T (p.Tyr860=)

Gene: VPS13B (vacuolar protein sorting 13 homolog B; plus strand). Cytogenetic location: 8q22.2.
Variant type: single nucleotide variant.
Coding change: c.2580C>T on transcript NM_152564.5 (MANE Select); coding-DNA position 2580, C replaced by T.
Protein change: p.Tyr860=; no amino-acid change (tyrosine 860 retained).
Molecular consequence: synonymous variant.
Genome position (GRCh38, 1-based): chr8:99,274,262, C>T. VCF-style: chr8-99274262-C-T. GRCh37 (hg19) VCF-style: chr8-100286490-C-T.
Other names: c.2580C>T, p.Tyr860= (NM_017890.5).
Identifiers: ClinVar variation 3348765 (VCV003348765.2).

ClinVar aggregate classification (germline): Conflicting classifications of pathogenicity. Review status: no assertion criteria provided (0 of 4 stars). 2 submissions from 2 submitters: Uncertain significance (1); Likely benign (1). Last evaluated 2025-05-08.

Conditions:
VPS13B-related disorder. Also called: VPS13B-related condition.
Cohen syndrome (COH1). Also called: PEPPER SYNDROME; Cutis verticis gyrata, retinitis pigmentosa, and sensorineural deafness. Identifiers: Orphanet 193, MedGen C0265223, MONDO:0008999, OMIM 216550.

gnomAD v4.1: 1 of 1,614,144 alleles (0.000062%); highest among the groups gnomAD compares: Non-Finnish European, 0.000085%; no homozygotes.

Submissions (2):

Natera, Inc.
Classification: Uncertain significance for Cohen syndrome. Last evaluated: 2025-05-08. Review status: no assertion criteria provided. Collection method: clinical testing. Allele origin: germline.

PreventionGenetics, part of Exact Sciences
Classification: Likely benign for VPS13B-related condition. Last evaluated: 2024-02-28. Review status: no assertion criteria provided. Collection method: clinical testing. Allele origin: germline.
Comment: This variant is classified as likely benign based on ACMG/AMP sequence variant interpretation guidelines (Richards et al. 2015 PMID: 25741868, with internal and published modifications).